The following is an entry in ClinVar:

NM_000540.3(RYR1):c.10920C>T (p.Pro3640=)

Gene: RYR1 (ryanodine receptor 1; plus strand). Cytogenetic location: 19q13.2.
Variant type: single nucleotide variant.
Coding change: c.10920C>T on transcript NM_000540.3 (MANE Select); coding-DNA position 10920, C replaced by T.
Protein change: p.Pro3640=; no amino-acid change (proline 3640 retained).
Molecular consequence: synonymous variant.
Genome position (GRCh38, 1-based): chr19:38,528,401, C>T. VCF-style: chr19-38528401-C-T. GRCh37 (hg19) VCF-style: chr19-39019041-C-T.
Other names: c.10905C>T, p.Pro3635= (NM_001042723.2).
Identifiers: ClinVar variation 3385541 (VCV003385541.1).

ClinVar aggregate classification (germline): Likely benign (1 of 4 stars; one submission).

Conditions:
Malignant hyperthermia, susceptibility to, 1 (MHS1). Also called: Anesthesia related hyperthermia; Malignant hyperpyrexia; Fulminating hyperpyrexia; Pharmacogenic myopathy; Malignant hyperthermia suceptibility 1; RYR1-Related Malignant Hyperthermia Susceptibility. Identifiers: Orphanet 423, MedGen C2930980, MONDO:0007783, OMIM 145600.

Submission:

All of Us Research Program, National Institutes of Health
Classification: Likely benign for Malignant hyperthermia, susceptibility to, 1. Last evaluated: 2024-04-25. Review status: criteria provided, single submitter. Criteria: ACMG Guidelines, 2015. Collection method: clinical testing. Allele origin: germline. Inheritance: Autosomal dominant inheritance. Observed: 1 variant allele, 1 heterozygote.
Comment: This study involves interpretation of variants in research participants for the purpose of population health screening. Participant phenotype was not available at the time of variant classification. Additional details can be found in publication PMID: 35346344, PMCID: PMC8962531